The following is an entry in ClinVar:

ClinVar aggregate classification (germline): Likely benign (0 of 4 stars; one submission).

Conditions:
VMA21-related disorder. Also called: VMA21-related condition.

Submission:

PreventionGenetics, part of Exact Sciences
Classification: Likely benign for VMA21-related condition. Last evaluated: 2019-11-25. Review status: no assertion criteria provided. Collection method: clinical testing. Allele origin: germline.
Comment: This variant is classified as likely benign based on ACMG/AMP sequence variant interpretation guidelines (Richards et al. 2015 PMID: 25741868, with internal and published modifications).

NM_001363810.1(VMA21):c.172G>T (p.Glu58Ter)

Gene: VMA21 (vacuolar ATPase assembly factor VMA21; plus strand). Cytogenetic location: Xq28.
Variant type: single nucleotide variant.
Coding change: c.172G>T on transcript NM_001363810.1; coding-DNA position 172, G replaced by T.
Protein change: p.Glu58Ter; replaces glutamic acid 58 with a stop codon.
Molecular consequence: nonsense.
Genome position (GRCh38, 1-based): chrX:151,397,011, G>T. VCF-style: chrX-151397011-G-T. GRCh37 (hg19) VCF-style: chrX-150565483-G-T.
Other names: short protein forms E58*.
Identifiers: ClinVar variation 3048775 (VCV003048775.2), dbSNP rs891766489, ClinGen allele CA415270632.